The following is an entry in ClinVar:

NM_001375524.1(TRRAP):c.11562C>T (p.Ala3854=)

Gene: TRRAP (transformation/transcription domain associated protein; plus strand). Cytogenetic location: 7q22.1.
Variant type: single nucleotide variant.
Coding change: c.11562C>T on transcript NM_001375524.1 (MANE Select); coding-DNA position 11562, C replaced by T.
Protein change: p.Ala3854=; no amino-acid change (alanine 3854 retained).
Molecular consequence: synonymous variant.
Genome position (GRCh38, 1-based): chr7:99,012,295, C>T. VCF-style: chr7-99012295-C-T. GRCh37 (hg19) VCF-style: chr7-98609918-C-T.
Other names: c.11520C>T, p.Ala3840= (NM_001244580.2); c.11433C>T, p.Ala3811= (NM_003496.4).
Identifiers: ClinVar variation 2171267 (VCV002171267.26), dbSNP rs369434966, ClinGen allele CA4362196.

ClinVar aggregate classification (germline): Likely benign. Review status: criteria provided, multiple submitters, no conflicts (2 of 4 stars). 2 submissions from 2 submitters: Likely benign (2). Last evaluated 2025-04-17.

Allele frequency attached by ClinVar (database versions not stated): ExAC 0.00001; gnomAD exomes 0.00001; gnomAD 0.00005; ESP Exome Variant Server 0.00008; TOPMed 0.00009.
gnomAD v4.1: 24 of 1,612,706 alleles (0.0015%); highest among the groups gnomAD compares: African/African-American, 0.013%; no homozygotes.

Submissions (2):

Labcorp Genetics (formerly Invitae), Labcorp
Classification: Likely benign. Last evaluated: 2025-04-17. Review status: criteria provided, single submitter. Criteria: Invitae Variant Classification Sherloc (09022015). Collection method: clinical testing. Allele origin: germline.

CeGaT Center for Human Genetics Tuebingen
Classification: Likely benign. Last evaluated: 2023-12-01. Review status: criteria provided, single submitter. Criteria: CeGaT Center For Human Genetics Tuebingen Variant Classification Criteria Version 2. Collection method: clinical testing. Allele origin: germline. Affected: yes. Observed: 1 variant allele.
Comment: TRRAP: BP4, BP7